The following is an entry in ClinVar:

ClinVar aggregate classification (germline): Uncertain significance. Review status: criteria provided, multiple submitters, no conflicts (2 of 4 stars). 4 submissions from 3 submitters: Uncertain significance (3). 1 of the submissions does not count toward it. Last evaluated 2025-09-01.

Conditions:
DNMT1-related disorder. Also called: DNMT1-related condition. Identifiers: MedGen CN381527.
Hereditary sensory neuropathy-deafness-dementia syndrome. Also called: Hereditary Sensory and Autonomic Neuropathy Type 1E (HSAN1E); NEUROPATHY, HEREDITARY SENSORY, WITH HEARING LOSS AND DEMENTIA; Hereditary sensory neuropathy type IE; HSN IE. Identifiers: Orphanet 456318, MedGen C3279885, MONDO:0013584, OMIM 614116.

Allele frequency attached by ClinVar (database versions not stated): gnomAD exomes below 0.00001; ExAC 0.00001; gnomAD 0.00001.

Submissions (4):

Labcorp Genetics (formerly Invitae), Labcorp
Classification: Uncertain significance for Hereditary sensory neuropathy-deafness-dementia syndrome. Last evaluated: 2025-09-01. Review status: criteria provided, single submitter. Criteria: Invitae Variant Classification Sherloc (09022015). Collection method: clinical testing. Allele origin: germline.
Comment: This sequence change replaces serine, which is neutral and polar, with leucine, which is neutral and non-polar, at codon 19 of the DNMT1 protein (p.Ser19Leu). The frequency data for this variant in the population databases is considered unreliable, as metrics indicate poor data quality at this position in the gnomAD database. This variant has not been reported in the literature in individuals affected with DNMT1-related conditions. ClinVar contains an entry for this variant (Variation ID: 373572). An algorithm developed to predict the effect of missense changes on protein structure and function (PolyPhen-2) suggests that this variant is likely to be tolerated. In summary, the available evidence is currently insufficient to determine the role of this variant in disease. Therefore, it has been classified as a Variant of Uncertain Significance.

PreventionGenetics, part of Exact Sciences
Classification: Uncertain significance for DNMT1-related condition. Last evaluated: 2025-02-03. Review status: criteria provided, single submitter. Criteria: ACMG Guidelines, 2015. Collection method: clinical testing. Allele origin: germline.
Comment: The DNMT1 c.56C>T variant is predicted to result in the amino acid substitution p.Ser19Leu. To our knowledge, this variant has not been reported in the literature. This variant is reported in 0.0051% of alleles in individuals of East Asian descent in gnomAD. At this time, the clinical significance of this variant is uncertain due to the absence of conclusive functional and genetic evidence.

GeneDx
Classification: Uncertain significance. Last evaluated: 2019-09-06. Review status: criteria provided, single submitter. Criteria: GeneDx Variant Classification Process June 2021. Collection method: clinical testing. Allele origin: germline. Affected: yes.
Comment: In silico analysis, which includes protein predictors and evolutionary conservation, supports that this variant does not alter protein structure/function; Has not been previously published as pathogenic or benign to our knowledge

GeneDx
Classification: Uncertain significance. Last evaluated: 2016-11-30. Review status: flagged submission. Criteria: GeneDx Variant Classification (06012015). Collection method: clinical testing. Allele origin: germline. Affected: yes. Not counted in ClinVar's aggregate classification.
Comment: A variant of uncertain significance has been identified in the DNMT1 gene. The S19L variant has not been published as a pathogenic variant, nor has it been reported as a benign variant to our knowledge. It was not observed in approximately 6,500 individuals of European and African American ancestry in the NHLBI Exome Sequencing Project, indicating it is not a common benign variant in these populations. The S19L variant is a non-conservative amino acid substitution, which is likely to impact secondary protein structure as these residues differ in polarity, charge, size and/or other properties. This substitution occurs at a position that is conserved in mammals. However, in silico analysis is inconsistent in its predictions as to whether or not the variant is damaging to the protein structure/function. Therefore, based on the currently available information, it is unclear whether this variant is a pathogenic variant or a rare benign variant.
ClinVar note: Reason: This record appears to be redundant with a more recent record from the same submitter.
ClinVar note: Notes: SCV000492175 appears to be redundant with SCV001781057.

NM_001130823.3(DNMT1):c.56C>T (p.Ser19Leu)

Genes: DNMT1 (DNA methyltransferase 1; minus strand), LOC130063472 (ATAC-STARR-seq lymphoblastoid silent region 10057; plus strand). Cytogenetic location: 19p13.2.
Variant type: single nucleotide variant.
Coding change: c.56C>T on transcript NM_001130823.3 (MANE Select); coding-DNA position 56, C replaced by T.
Protein change: p.Ser19Leu; replaces serine 19 with leucine.
Molecular consequence: missense variant. On other transcripts: 5 prime UTR variant (1).
Genome position (GRCh38, 1-based): chr19:10,194,844, G>A on the plus strand (C>T on the coding strand, the complement: DNMT1 is on the minus strand). VCF-style: chr19-10194844-G-A. GRCh37 (hg19) VCF-style: chr19-10305520-G-A.
Other names: c.56C>T (LRG_362t1, NM_001130823.2); c.56C>T, p.Ser19Leu (NM_001318730.2, NM_001379.4); c.-268C>T (NM_001318731.2); short protein forms S19L.
Identifiers: ClinVar variation 373572 (VCV000373572.15), dbSNP rs747559452, ClinGen allele CA9188875.